The following is an entry in ClinVar:

ClinVar aggregate classification (germline): Uncertain significance. Review status: criteria provided, multiple submitters, no conflicts (2 of 4 stars). 2 submissions from 2 submitters: Uncertain significance (2). Last evaluated 2023-08-07.

Conditions:
ATRX-related disorder. Also called: ATRX-related condition.

Submissions (2):

PreventionGenetics, part of Exact Sciences
Classification: Uncertain significance for ATRX-related condition. Last evaluated: 2023-08-07. Review status: criteria provided, single submitter. Criteria: ACMG Guidelines, 2015. Collection method: clinical testing. Allele origin: germline.
Comment: The ATRX c.838T>C variant is predicted to result in the amino acid substitution p.Cys280Arg. To our knowledge, this variant has not been reported in the literature or in a large population database, indicating this variant is rare. A different nucleotide substitution affecting the same amino acid (p.Cys280Tyr) has been reported in the hemizygous state in an individual with X-linked intellectual disability-hypotonic facies syndrome (Hettiarachchi et al. 2019. PubMed ID: 31781420). At this time, the clinical significance of the c.838T>C (p.Cys280Arg) variant is uncertain due to the absence of conclusive functional and genetic evidence.

Genetic Services Laboratory, University of Chicago
Classification: Uncertain significance. Last evaluated: 2015-06-23. Review status: criteria provided, single submitter. Criteria: ACMG Guidelines, 2015. Collection method: clinical testing. Allele origin: germline.

NM_000489.6(ATRX):c.838T>C (p.Cys280Arg)

Gene: ATRX (ATRX chromatin remodeler; minus strand). Cytogenetic location: Xq21.1.
Variant type: single nucleotide variant.
Coding change: c.838T>C on transcript NM_000489.6 (MANE Select); coding-DNA position 838, T replaced by C.
Protein change: p.Cys280Arg; replaces cysteine 280 with arginine.
Molecular consequence: missense variant.
Genome position (GRCh38, 1-based): chrX:77,684,418, A>G on the plus strand (T>C on the coding strand, the complement: ATRX is on the minus strand). VCF-style: chrX-77684418-A-G. GRCh37 (hg19) VCF-style: chrX-76939910-A-G.
Other names: c.724T>C, p.Cys242Arg (NM_138270.5); c.838T>C (NM_000489.4); short protein forms C280R, C242R.
Identifiers: ClinVar variation 210500 (VCV000210500.7), dbSNP rs797045408, ClinGen allele CA208187.
Genomic context (GRCh38, chrX:77,684,418, plus strand): 5'-CTTTTATCTTCTTCTTATTTTGCTGCAACAACTGTTCTAAATTCTCAAATACGCTGTTAC[A>G]TGCAGTGACCAAGTCCAACAAAGGCTCTGGGTGACAAATGTAGCAATACCATTGGTTGTT-3'
Protein context (NP_000480.3, residues 270-290): PEPLLDLVTA[Cys280Arg]NSVFENLEQL